The following is an entry in ClinVar:

ClinVar aggregate classification (germline): Pathogenic (1 of 4 stars; one submission).

Conditions:
Familial hypokalemia-hypomagnesemia (GTLMNS). Also called: HYPOMAGNESEMIA-HYPOKALEMIA, PRIMARY RENOTUBULAR, WITH HYPOCALCIURIA; POTASSIUM AND MAGNESIUM DEPLETION; gitelman syndrome. Identifiers: Orphanet 358, MedGen C0268450, MONDO:0009904, OMIM 263800.

Submission:

Kasturba Medical College, Manipal, Kasturba Medical College, Manipal, Manipal Academy of Higher Education, Manipal, India
Classification: Pathogenic for Familial hypokalemia-hypomagnesemia. Review status: criteria provided, single submitter. Criteria: ACMG Guidelines, 2015. Collection method: research. Allele origin: paternal. Inheritance: Autosomal recessive inheritance. Affected: yes. Observed: 1 compound heterozygote.
Comment: This variant is absent in heterozygous and/or homozygous state in the gnomAD (v4.1.0) database and in our in-house database of 3565 exomes. This variant is predicted to lead to shift in the reading frame and introduce a premature termination codon which can either lead to nonsense mediated mRNA decay or formation of a truncated protein product.

NM_001126108.2(SLC12A3):c.2205del (p.Asn736fs)

Gene: SLC12A3 (solute carrier family 12 member 3; plus strand). Cytogenetic location: 16q13.
Variant type: Deletion.
Coding change: c.2205del on transcript NM_001126108.2 (MANE Select); coding-DNA position 2205, one base deleted (C; older notation c.2205delC).
Protein change: p.Asn736fs; shifts the reading frame from asparagine 736.
Molecular consequence: frameshift variant.
Genome position (GRCh38, 1-based): chr16:56,887,951, C deleted; the last of 3 consecutive C bases (chr16:56,887,949-56,887,951); deleting any one gives the same sequence. VCF-style (leftmost placement, unchanged base first): chr16-56887948-GC-G. GRCh37 (hg19) VCF-style: chr16-56921860-GC-G.
Other names: c.2205del, p.Asn736fs (NM_000339.3); c.2202del, p.Asn735fs (NM_001126107.2, NM_001410896.1); short protein forms N735fs, N736fs.
Identifiers: ClinVar variation 3909976 (VCV003909976.1).